The following is an entry in ClinVar:

ClinVar aggregate classification (germline): Uncertain significance. Review status: criteria provided, multiple submitters, no conflicts (2 of 4 stars). 2 submissions from 2 submitters: Uncertain significance (2). Last evaluated 2022-11-16.

Allele frequency attached by ClinVar (database versions not stated): gnomAD exomes below 0.00001; TOPMed below 0.00001; ExAC 0.00001; gnomAD 0.00001.
gnomAD v4.1: 8 of 1,613,864 alleles (0.0005%); highest among the groups gnomAD compares: South Asian, 0.0033%; no homozygotes.

Submissions (2):

Blueprint Genetics
Classification: Uncertain significance. Last evaluated: 2022-11-16. Review status: criteria provided, single submitter. Criteria: ACMG Guidelines, 2015. Collection method: clinical testing. Allele origin: germline.

Labcorp Genetics (formerly Invitae), Labcorp
Classification: Uncertain significance. Last evaluated: 2022-08-27. Review status: criteria provided, single submitter. Criteria: Invitae Variant Classification Sherloc (09022015). Collection method: clinical testing. Allele origin: germline.
Comment: This sequence change replaces isoleucine, which is neutral and non-polar, with valine, which is neutral and non-polar, at codon 1462 of the RP1 protein (p.Ile1462Val). In summary, the available evidence is currently insufficient to determine the role of this variant in disease. Therefore, it has been classified as a Variant of Uncertain Significance. Algorithms developed to predict the effect of missense changes on protein structure and function output the following: SIFT: "Tolerated"; PolyPhen-2: "Benign"; Align-GVGD: "Class C0". The valine amino acid residue is found in multiple mammalian species, which suggests that this missense change does not adversely affect protein function. This variant has not been reported in the literature in individuals affected with RP1-related conditions. This variant is present in population databases (rs779897629, gnomAD 0.003%).

NM_006269.2(RP1):c.4384A>G (p.Ile1462Val)

Gene: RP1 (RP1 axonemal microtubule associated; plus strand). Cytogenetic location: 8q12.1.
Variant type: single nucleotide variant.
Coding change: c.4384A>G on transcript NM_006269.2 (MANE Select); coding-DNA position 4384, A replaced by G.
Protein change: p.Ile1462Val; replaces isoleucine 1462 with valine.
Molecular consequence: missense variant. On other transcripts: intron variant (1).
Genome position (GRCh38, 1-based): chr8:54,628,266, A>G. VCF-style: chr8-54628266-A-G. GRCh37 (hg19) VCF-style: chr8-55540826-A-G.
Other names: c.787+5978A>G (NM_001375654.1); short protein forms I1462V.
Identifiers: ClinVar variation 2010647 (VCV002010647.5), dbSNP rs779897629, ClinGen allele CA4751856.